The following is an entry in ClinVar:

NM_003128.3(SPTBN1):c.2223G>C (p.Glu741Asp)

Gene: SPTBN1 (spectrin beta, non-erythrocytic 1; plus strand). Cytogenetic location: 2p16.2.
Variant type: single nucleotide variant.
Coding change: c.2223G>C on transcript NM_003128.3 (MANE Select); coding-DNA position 2223, G replaced by C.
Protein change: p.Glu741Asp; replaces glutamic acid 741 with aspartic acid.
Molecular consequence: missense variant.
Genome position (GRCh38, 1-based): chr2:54,629,357, G>C. VCF-style: chr2-54629357-G-C. GRCh37 (hg19) VCF-style: chr2-54856494-G-C.
Other names: c.2184G>C, p.Glu728Asp (NM_178313.3); short protein forms E728D, E741D.
Identifiers: ClinVar variation 2636938 (VCV002636938.1), dbSNP rs2549526374, ClinGen allele CA346880941.

ClinVar aggregate classification (germline): Uncertain significance (1 of 4 stars; one submission).

Conditions:
SPTBN1-related disorder. Also called: SPTBN1-related condition.

Allele frequency attached by ClinVar (database versions not stated): gnomAD exomes below 0.00001.
gnomAD v4.1: 2 of 1,614,094 alleles (0.00012%); highest among the groups gnomAD compares: Non-Finnish European, 0.00017%; no homozygotes.

Submission:

PreventionGenetics, part of Exact Sciences
Classification: Uncertain significance for SPTBN1-related condition. Last evaluated: 2023-08-16. Review status: criteria provided, single submitter. Criteria: ACMG Guidelines, 2015. Collection method: clinical testing. Allele origin: germline.
Comment: The SPTBN1 c.2223G>C variant is predicted to result in the amino acid substitution p.Glu741Asp. To our knowledge, this variant has not been reported in the literature or in a large population database, indicating this variant is rare. At this time, the clinical significance of this variant is uncertain due to the absence of conclusive functional and genetic evidence.